The following is an entry in ClinVar:

ClinVar aggregate classification (germline): Uncertain significance (1 of 4 stars; one submission).

Submission:

Labcorp Genetics (formerly Invitae), Labcorp
Classification: Uncertain significance. Last evaluated: 2024-10-16. Review status: criteria provided, single submitter. Criteria: Invitae Variant Classification Sherloc (09022015). Collection method: clinical testing. Allele origin: germline.
Comment: This sequence change replaces histidine, which is basic and polar, with proline, which is neutral and non-polar, at codon 3670 of the ZNF469 protein (p.His3670Pro). This variant is not present in population databases (gnomAD no frequency). This variant has not been reported in the literature in individuals affected with ZNF469-related conditions. ClinVar contains an entry for this variant (Variation ID: 1422699). An algorithm developed to predict the effect of missense changes on protein structure and function outputs the following: PolyPhen-2: "Benign". The proline amino acid residue is found in multiple mammalian species, which suggests that this missense change does not adversely affect protein function. In summary, the available evidence is currently insufficient to determine the role of this variant in disease. Therefore, it has been classified as a Variant of Uncertain Significance.

NM_001367624.2(ZNF469):c.11093A>C (p.His3698Pro)

Gene: ZNF469 (zinc finger protein 469; plus strand). Cytogenetic location: 16q24.2.
Variant type: single nucleotide variant.
Coding change: c.11093A>C on transcript NM_001367624.2 (MANE Select); coding-DNA position 11093, A replaced by C.
Protein change: p.His3698Pro; replaces histidine 3698 with proline.
Molecular consequence: missense variant.
Genome position (GRCh38, 1-based): chr16:88,438,563, A>C. VCF-style: chr16-88438563-A-C. GRCh37 (hg19) VCF-style: chr16-88504971-A-C.
Other names: short protein forms H3698P.
Identifiers: ClinVar variation 1422699 (VCV001422699.7), dbSNP rs2142317030, ClinGen allele CA397128957.